The following is an entry in ClinVar:

NM_016107.5(ZFR):c.1634T>G (p.Val545Gly)

Gene: ZFR (zinc finger RNA binding protein; minus strand). Cytogenetic location: 5p13.3.
Variant type: single nucleotide variant.
Coding change: c.1634T>G on transcript NM_016107.5 (MANE Select); coding-DNA position 1634, T replaced by G.
Protein change: p.Val545Gly; replaces valine 545 with glycine.
Molecular consequence: missense variant. On other transcripts: non-coding transcript variant (1).
Genome position (GRCh38, 1-based): chr5:32,400,086, A>C on the plus strand (T>G on the coding strand, the complement: ZFR is on the minus strand). VCF-style: chr5-32400086-A-C. GRCh37 (hg19) VCF-style: chr5-32400191-A-C.
Other names: short protein forms V545G.
Identifiers: ClinVar variation 3652967 (VCV003652967.2).

ClinVar aggregate classification (germline): Uncertain significance (1 of 4 stars; one submission).

Conditions:
Pure or complex autosomal recessive spastic paraplegia. Identifiers: Orphanet 320346, MedGen C5679887, MONDO:0017915.

Submission:

Labcorp Genetics (formerly Invitae), Labcorp
Classification: Uncertain significance for Pure or complex autosomal recessive spastic paraplegia. Last evaluated: 2024-05-10. Review status: criteria provided, single submitter. Criteria: Invitae Variant Classification Sherloc (09022015). Collection method: clinical testing. Allele origin: germline.
Comment: This sequence change replaces valine, which is neutral and non-polar, with glycine, which is neutral and non-polar, at codon 545 of the ZFR protein (p.Val545Gly). This variant is not present in population databases (gnomAD no frequency). This variant has not been reported in the literature in individuals affected with ZFR-related conditions. Experimental studies and prediction algorithms are not available or were not evaluated, and the functional significance of this variant is currently unknown. In summary, the available evidence is currently insufficient to determine the role of this variant in disease. Therefore, it has been classified as a Variant of Uncertain Significance.